The following is an entry in ClinVar:

ClinVar aggregate classification (germline): Pathogenic (1 of 4 stars; one submission).

Submission:

GeneDx
Classification: Pathogenic. Last evaluated: 2021-12-20. Review status: criteria provided, single submitter. Criteria: GeneDx Variant Classification Process June 2021. Collection method: clinical testing. Allele origin: germline. Affected: yes.
Comment: Nonsense variant predicted to result in protein truncation or nonsense mediated decay in a gene for which loss-of-function is a known mechanism of disease; Not observed in large population cohorts (gnomAD); Has not been previously published as pathogenic or benign to our knowledge

NM_006208.3(ENPP1):c.1028C>A (p.Ser343Ter)

Gene: ENPP1 (ectonucleotide pyrophosphatase/phosphodiesterase 1; plus strand). Cytogenetic location: 6q23.2.
Variant type: single nucleotide variant.
Coding change: c.1028C>A on transcript NM_006208.3 (MANE Select); coding-DNA position 1028, C replaced by A.
Protein change: p.Ser343Ter; replaces serine 343 with a stop codon.
Molecular consequence: nonsense.
Genome position (GRCh38, 1-based): chr6:131,864,508, C>A. VCF-style: chr6-131864508-C-A. GRCh37 (hg19) VCF-style: chr6-132185648-C-A.
Other names: short protein forms S343*.
Identifiers: ClinVar variation 1526269 (VCV001526269.2), dbSNP rs2479939785, ClinGen allele CA365671162.